The following is an entry in ClinVar:

NM_133259.4(LRPPRC):c.3331A>C (p.Ile1111Leu)

Gene: LRPPRC (leucine rich pentatricopeptide repeat containing; minus strand). Cytogenetic location: 2p21.
Variant type: single nucleotide variant.
Coding change: c.3331A>C on transcript NM_133259.4 (MANE Select); coding-DNA position 3331, A replaced by C.
Protein change: p.Ile1111Leu; replaces isoleucine 1111 with leucine.
Molecular consequence: missense variant.
Genome position (GRCh38, 1-based): chr2:43,905,725, T>G on the plus strand (A>C on the coding strand, the complement: LRPPRC is on the minus strand). VCF-style: chr2-43905725-T-G. GRCh37 (hg19) VCF-style: chr2-44132864-T-G.
Other names: short protein forms I1111L.
Identifiers: ClinVar variation 1347708 (VCV001347708.4), dbSNP rs781451529, ClinGen allele CA1638093.

ClinVar aggregate classification (germline): Uncertain significance. Review status: criteria provided, multiple submitters, no conflicts (2 of 4 stars). 2 submissions from 2 submitters: Uncertain significance (2). Last evaluated 2024-05-08.

Allele frequency attached by ClinVar (database versions not stated): ExAC 0.00002.
gnomAD v4.1: 23 of 1,613,948 alleles (0.0014%); highest among the groups gnomAD compares: Admixed American, 0.0033%; no homozygotes.

Submissions (2):

Blueprint Genetics
Classification: Uncertain significance. Last evaluated: 2024-05-08. Review status: criteria provided, single submitter. Criteria: ACMG Guidelines, 2015. Collection method: clinical testing. Allele origin: germline.

Labcorp Genetics (formerly Invitae), Labcorp
Classification: Uncertain significance. Last evaluated: 2022-07-05. Review status: criteria provided, single submitter. Criteria: Invitae Variant Classification Sherloc (09022015). Collection method: clinical testing. Allele origin: germline.
Comment: This sequence change replaces isoleucine, which is neutral and non-polar, with leucine, which is neutral and non-polar, at codon 1111 of the LRPPRC protein (p.Ile1111Leu). This variant is present in population databases (rs781451529, gnomAD 0.003%). This variant has not been reported in the literature in individuals affected with LRPPRC-related conditions. ClinVar contains an entry for this variant (Variation ID: 1347708). Algorithms developed to predict the effect of missense changes on protein structure and function output the following: SIFT: "Deleterious"; PolyPhen-2: "Benign"; Align-GVGD: "Class C0". The leucine amino acid residue is found in multiple mammalian species, which suggests that this missense change does not adversely affect protein function. In summary, the available evidence is currently insufficient to determine the role of this variant in disease. Therefore, it has been classified as a Variant of Uncertain Significance.